The following is an entry in ClinVar:

ClinVar aggregate classification (germline): Pathogenic (1 of 4 stars; one submission).

Conditions:
Duchenne muscular dystrophy (DMD). Also called: MUSCULAR DYSTROPHY, PSEUDOHYPERTROPHIC PROGRESSIVE, DUCHENNE TYPE; Duchenne Muscular Dystrophy (DMD). Identifiers: Orphanet 98896, MedGen C0013264, MONDO:0010679, OMIM 310200.

Submission:

Labcorp Genetics (formerly Invitae), Labcorp
Classification: Pathogenic for Duchenne muscular dystrophy. Last evaluated: 2020-01-18. Review status: criteria provided, single submitter. Criteria: Invitae Variant Classification Sherloc (09022015). Collection method: clinical testing. Allele origin: germline.
Comment: For these reasons, this variant has been classified as Pathogenic. The region of the DMD gene that includes exon(s) 64 has been determined to be clinically significant (PMID: 23453023, 22510846, 24504883). Therefore, deletions that encompass that region are likely to disrupt protein function and cause disease. This variant has not been reported in the literature in individuals with DMD-related conditions. This variant is a gross deletion of the genomic region encompassing exons 53-79 of the DMD gene. The 5' boundary is likely confined to intron 52. The 3' end of this event is unknown as it extends through the termination codon beyond the assayed region for this gene and may encompass additional genes. While this deletion is not anticipated to result in nonsense mediated decay, it is expected to create a truncated protein product or disrupt mRNA translation.

Literature cited by the submitters: PubMed 23453023; PubMed 22510846; PubMed 24504883.

NC_000023.10:g.(?_27765013)_(31697703_?)del

Genes: MAGEB2 (MAGE family member B2; plus strand), MAGEB3 (MAGE family member B3; plus strand), MAGEB4 (MAGE family member B4; plus strand), NR0B1 (nuclear receptor subfamily 0 group B member 1; minus strand), TAB3 (TGF-beta activated kinase 1 (MAP3K7) binding protein 3; minus strand) and 9 more. Cytogenetic location: Xp21.3-21.1.
Variant type: Deletion.
Identifiers: ClinVar variation 1076228 (VCV001076228.9).